The following is an entry in ClinVar:

ClinVar aggregate classification (germline): Uncertain significance. Review status: criteria provided, multiple submitters, no conflicts (2 of 4 stars). 2 submissions from 2 submitters: Uncertain significance (2). Last evaluated 2023-12-07.

Conditions:
Hereditary cancer-predisposing syndrome. Also called: Tumor predisposition; Hereditary neoplastic syndrome; Neoplastic Syndromes, Hereditary; Hereditary Cancer Syndrome. Identifiers: Orphanet 140162, MedGen C0027672, MeSH D009386, MONDO:0015356.

Submissions (2):

Ambry Genetics
Classification: Uncertain significance for Hereditary cancer-predisposing syndrome. Last evaluated: 2023-12-07. Review status: criteria provided, single submitter. Criteria: Ambry Variant Classification Scheme 2023. Collection method: clinical testing. Allele origin: germline.
Comment: The p.Y84H variant (also known as c.250T>C), located in coding exon 3 of the POLE gene, results from a T to C substitution at nucleotide position 250. The tyrosine at codon 84 is replaced by histidine, an amino acid with similar properties. This amino acid position is conserved. In addition, the in silico prediction for this alteration is inconclusive. Since supporting evidence is limited at this time, the clinical significance of this alteration remains unclear.

Labcorp Genetics (formerly Invitae), Labcorp
Classification: Uncertain significance. Last evaluated: 2020-02-20. Review status: criteria provided, single submitter. Criteria: Invitae Variant Classification Sherloc (09022015). Collection method: clinical testing. Allele origin: germline.
Comment: In summary, the available evidence is currently insufficient to determine the role of this variant in disease. Therefore, it has been classified as a Variant of Uncertain Significance. Algorithms developed to predict the effect of missense changes on protein structure and function are either unavailable or do not agree on the potential impact of this missense change (SIFT: "Deleterious"; PolyPhen-2: "Probably Damaging"; Align-GVGD: "Class C0"). This variant has not been reported in the literature in individuals with POLE-related conditions. This variant is not present in population databases (ExAC no frequency). This sequence change replaces tyrosine with histidine at codon 84 of the POLE protein (p.Tyr84His). The tyrosine residue is moderately conserved and there is a moderate physicochemical difference between tyrosine and histidine.

NM_006231.4(POLE):c.250T>C (p.Tyr84His)

Gene: POLE (DNA polymerase epsilon, catalytic subunit; minus strand). Cytogenetic location: 12q24.33.
Variant type: single nucleotide variant.
Coding change: c.250T>C on transcript NM_006231.4 (MANE Select); coding-DNA position 250, T replaced by C.
Protein change: p.Tyr84His; replaces tyrosine 84 with histidine.
Molecular consequence: missense variant.
Genome position (GRCh38, 1-based): chr12:132,680,642, A>G on the plus strand (T>C on the coding strand, the complement: POLE is on the minus strand). VCF-style: chr12-132680642-A-G. GRCh37 (hg19) VCF-style: chr12-133257228-A-G.
Other names: c.250T>C (NM_006231.2); short protein forms Y84H.
Identifiers: ClinVar variation 1011034 (VCV001011034.10), dbSNP rs2043146568, ClinGen allele CA387369136.